The following is an entry in ClinVar:

ClinVar aggregate classification (germline): Likely pathogenic (1 of 4 stars; one submission).

Conditions:
Mucopolysaccharidosis, MPS-II (MPS2). Also called: Hunter Syndrome; IDURONATE 2-SULFATASE DEFICIENCY; Mucopolysaccharidosis Type II; Mucopolysaccharidosis type 2; Attenuated MPS (subtype; formerly known as mild MPS II); Severe MPS II. Identifiers: Orphanet 580, Orphanet 79388, MedGen C0026705, MONDO:0010674, OMIM 309900.

Submission:

Victorian Clinical Genetics Services, Murdoch Childrens Research Institute
Classification: Likely pathogenic for Mucopolysaccharidosis, MPS-II. Last evaluated: 2023-12-21. Review status: criteria provided, single submitter. Criteria: ACMG Guidelines, 2015. Collection method: clinical testing. Allele origin: germline. Inheritance: X-linked recessive inheritance. Affected: yes.
Comment: Based on the classification scheme VCGS_Germline_v1.3.4, this variant is classified as Likely pathogenic. Following criteria are met: 0102 - Loss of function is a known mechanism of disease in this gene and is associated with mucopolysaccharidosis II (MIM#309900). (I) 0109 - This gene is associated with X-linked recessive disease. (I) 0200 - Variant is predicted to result in a missense amino acid change from alanine to proline. (I) 0253 - This variant is hemizygous. (I) 0301 - Variant is absent from gnomAD (both v2 and v3). (SP) 0503 - Missense variant consistently predicted to be tolerated by multiple in silico tools or not conserved in placental mammals with a minor amino acid change. (SB) 0600 - Variant is located in the annotated sulfatase domain (DECIPHER). (I) 0705 - No comparable variants have previous evidence for pathogenicity. A substitution to aspartic acid, which is not considered comparable because it is a major amino acid change, has been classified a VUS in ClinVar by a diagnostic laboratory. In addition, it has been identified in an individual with mucopolysaccharidosis II (PMID: 21963080). (I) 0807 - This variant has no previous evidence of pathogenicity. (I) 0905 - No published segregation evidence has been identified for this variant. (I) 1005 - Clinically accredited laboratory assay specific to gene product shows abnormal protein function. (I) Legend: (SP) - Supporting pathogenic, (I) - Information, (SB) - Supporting benign

Literature cited by the submitters: PubMed 21963080.

NM_000202.8(IDS):c.1012G>C (p.Ala338Pro)

Genes: IDS (iduronate 2-sulfatase; minus strand), LOC106050102 (IDS recombination region; plus strand). Cytogenetic location: Xq28.
Variant type: single nucleotide variant.
Coding change: c.1012G>C on transcript NM_000202.8 (MANE Select); coding-DNA position 1012, G replaced by C.
Protein change: p.Ala338Pro; replaces alanine 338 with proline.
Molecular consequence: missense variant.
Genome position (GRCh38, 1-based): chrX:149,487,093, C>G on the plus strand (G>C on the coding strand, the complement: IDS is on the minus strand). VCF-style: chrX-149487093-C-G. GRCh37 (hg19) VCF-style: chrX-148568624-C-G.
Other names: c.742G>C, p.Ala248Pro (NM_001166550.4); short protein forms A248P, A338P.
Identifiers: ClinVar variation 3255003 (VCV003255003.1), dbSNP rs2520785587.